The following is an entry in ClinVar:

ClinVar aggregate classification (germline): Conflicting classifications of pathogenicity. Review status: criteria provided, conflicting classifications (1 of 4 stars). 2 submissions from 2 submitters: Likely pathogenic (1); Uncertain significance (1). Last evaluated 2023-07-28.

Submissions (2):

Labcorp Genetics (formerly Invitae), Labcorp
Classification: Likely pathogenic. Last evaluated: 2023-07-28. Review status: criteria provided, single submitter. Criteria: Invitae Variant Classification Sherloc (09022015). Collection method: clinical testing. Allele origin: germline.
Comment: In summary, the currently available evidence indicates that the variant is pathogenic, but additional data are needed to prove that conclusively. Therefore, this variant has been classified as Likely Pathogenic. This sequence change replaces arginine, which is basic and polar, with cysteine, which is neutral and slightly polar, at codon 130 of the BEST1 protein (p.Arg130Cys). This variant disrupts the p.Arg130 amino acid residue in BEST1. Other variant(s) that disrupt this residue have been determined to be pathogenic (PMID: 21269699, 21738390, 32141364). This suggests that this residue is clinically significant, and that variants that disrupt this residue are likely to be disease-causing. Advanced modeling of protein sequence and biophysical properties (such as structural, functional, and spatial information, amino acid conservation, physicochemical variation, residue mobility, and thermodynamic stability) performed at Invitae indicates that this missense variant is expected to disrupt BEST1 protein function. This variant has not been reported in the literature in individuals affected with BEST1-related conditions. This variant is not present in population databases (gnomAD no frequency).

Blueprint Genetics
Classification: Uncertain significance. Last evaluated: 2020-03-31. Review status: criteria provided, single submitter. Criteria: ACMG Guidelines, 2015. Collection method: clinical testing. Allele origin: germline.

Literature cited by the submitters: PubMed 21269699 (cited by Labcorp Genetics (formerly Invitae), Labcorp); PubMed 21738390 (cited by Labcorp Genetics (formerly Invitae), Labcorp); PubMed 32141364 (cited by Labcorp Genetics (formerly Invitae), Labcorp).

NM_004183.4(BEST1):c.388C>T (p.Arg130Cys)

Gene: BEST1 (bestrophin 1; plus strand). Cytogenetic location: 11q12.3.
Variant type: single nucleotide variant.
Coding change: c.388C>T on transcript NM_004183.4 (MANE Select); coding-DNA position 388, C replaced by T.
Protein change: p.Arg130Cys; replaces arginine 130 with cysteine.
Molecular consequence: missense variant. On other transcripts: non-coding transcript variant (1).
Genome position (GRCh38, 1-based): chr11:61,955,858, C>T. VCF-style: chr11-61955858-C-T. GRCh37 (hg19) VCF-style: chr11-61723330-C-T.
Other names: c.208C>T, p.Arg70Cys (NM_001139443.3, NM_001300786.2, NM_001300787.2); c.70C>T, p.Arg24Cys (NM_001363591.3); c.388C>T, p.Arg130Cys (NM_001363592.2); c.-788C>T (NM_001363593.3); short protein forms R24C, R70C, R130C.
Identifiers: ClinVar variation 2745386 (VCV002745386.4), dbSNP rs750102662, ClinGen allele CA380834939.